The following is an entry in ClinVar:

NM_144997.7(FLCN):c.460C>T (p.His154Tyr)

Gene: FLCN (folliculin; minus strand). Cytogenetic location: 17p11.2.
Variant type: single nucleotide variant.
Coding change: c.460C>T on transcript NM_144997.7 (MANE Select); coding-DNA position 460, C replaced by T.
Protein change: p.His154Tyr; replaces histidine 154 with tyrosine.
Molecular consequence: missense variant.
Genome position (GRCh38, 1-based): chr17:17,224,080, G>A on the plus strand (C>T on the coding strand, the complement: FLCN is on the minus strand). VCF-style: chr17-17224080-G-A. GRCh37 (hg19) VCF-style: chr17-17127394-G-A.
Other names: c.514C>T, p.His172Tyr (NM_001353229.2); c.460C>T, p.His154Tyr (NM_001353230.2, NM_001353231.2, NM_144606.7); short protein forms H172Y, H154Y.
Identifiers: ClinVar variation 2720276 (VCV002720276.3), dbSNP rs2144980241, ClinGen allele CA398534512.

ClinVar aggregate classification (germline): Uncertain significance (1 of 4 stars; one submission).

Conditions:
Birt-Hogg-Dube syndrome. Also called: Birt Hogg Dubé syndrome. Identifiers: Orphanet 122, MedGen C0346010, MONDO:0800444.

Allele frequency attached by ClinVar (database versions not stated): gnomAD exomes below 0.00001.

Submission:

Labcorp Genetics (formerly Invitae), Labcorp
Classification: Uncertain significance for Birt-Hogg-Dube syndrome. Last evaluated: 2022-10-27. Review status: criteria provided, single submitter. Criteria: Invitae Variant Classification Sherloc (09022015). Collection method: clinical testing. Allele origin: germline.
Comment: This variant is not present in population databases (gnomAD no frequency). This sequence change replaces histidine, which is basic and polar, with tyrosine, which is neutral and polar, at codon 154 of the FLCN protein (p.His154Tyr). This variant has not been reported in the literature in individuals affected with FLCN-related conditions. Advanced modeling of protein sequence and biophysical properties (such as structural, functional, and spatial information, amino acid conservation, physicochemical variation, residue mobility, and thermodynamic stability) performed at Invitae indicates that this missense variant is not expected to disrupt FLCN protein function. In summary, the available evidence is currently insufficient to determine the role of this variant in disease. Therefore, it has been classified as a Variant of Uncertain Significance.